The following is an entry in ClinVar:

ClinVar aggregate classification (germline): Pathogenic. Review status: criteria provided, multiple submitters, no conflicts (2 of 4 stars). 3 submissions from 3 submitters: Pathogenic (3). Last evaluated 2024-09-04.

Conditions:
Hereditary cancer-predisposing syndrome. Also called: Neoplastic Syndromes, Hereditary; Hereditary Cancer Syndrome; Hereditary neoplastic syndrome; Tumor predisposition. Identifiers: Orphanet 140162, MedGen C0027672, MeSH D009386, MONDO:0015356.
Familial adenomatous polyposis 1 (FAP1). Also called: POLYPOSIS, ADENOMATOUS INTESTINAL; FAMILIAL ADENOMATOUS POLYPOSIS 1, ATTENUATED. Identifiers: MedGen C2713442, MONDO:0021056, OMIM 175100. Disease mechanism: loss of function.

Submissions (3):

Labcorp Genetics (formerly Invitae), Labcorp
Classification: Pathogenic for Familial adenomatous polyposis 1. Last evaluated: 2024-09-04. Review status: criteria provided, single submitter. Criteria: Invitae Variant Classification Sherloc (09022015). Collection method: clinical testing. Allele origin: germline.
Comment: This sequence change creates a premature translational stop signal (p.Lys153*) in the APC gene. It is expected to result in an absent or disrupted protein product. Loss-of-function variants in APC are known to be pathogenic (PMID: 17963004, 20685668). This variant is not present in population databases (gnomAD no frequency). This variant has not been reported in the literature in individuals affected with APC-related conditions. ClinVar contains an entry for this variant (Variation ID: 1456697). Algorithms developed to predict the effect of sequence changes on RNA splicing suggest that this variant may disrupt the consensus splice site. For these reasons, this variant has been classified as Pathogenic.

Ambry Genetics
Classification: Pathogenic for Hereditary cancer-predisposing syndrome. Last evaluated: 2024-07-03. Review status: criteria provided, single submitter. Criteria: Ambry Variant Classification Scheme 2023. Collection method: clinical testing. Allele origin: germline.
Comment: The p.K153* pathogenic mutation (also known as c.457A>T), located in coding exon 4 of the APC gene, results from an A to T substitution at nucleotide position 457. This changes the amino acid from a lysine to a stop codon within coding exon 4. This alteration is expected to result in loss of function by premature protein truncation or nonsense-mediated mRNA decay. As such, this alteration is interpreted as a disease-causing mutation.

Myriad Genetics, Inc.
Classification: Pathogenic for Familial adenomatous polyposis 1. Last evaluated: 2023-04-26. Review status: criteria provided, single submitter. Criteria: Myriad Autosomal Dominant, Autosomal Recessive and X-Linked Classification Criteria (2023). Collection method: clinical testing. Allele origin: unknown.
Comment: This variant is considered pathogenic. This variant creates a termination codon and is predicted to result in premature protein truncation.

Literature cited by the submitters: PubMed 17963004 (cited by Labcorp Genetics (formerly Invitae), Labcorp); PubMed 20685668 (cited by Labcorp Genetics (formerly Invitae), Labcorp).

NM_000038.6(APC):c.457A>T (p.Lys153Ter)

Gene: APC (APC regulator of Wnt signaling pathway; plus strand). Cytogenetic location: 5q22.2.
Variant type: single nucleotide variant.
Coding change: c.457A>T on transcript NM_000038.6 (MANE Select); coding-DNA position 457, A replaced by T.
Protein change: p.Lys153Ter; replaces lysine 153 with a stop codon.
Molecular consequence: nonsense. On other transcripts: 5 prime UTR variant (1).
Genome position (GRCh38, 1-based): chr5:112,775,663, A>T. VCF-style: chr5-112775663-A-T. GRCh37 (hg19) VCF-style: chr5-112111360-A-T.
Other names: c.457A>T, p.Lys153Ter (NM_001127510.3, NM_001354895.2, NM_001354896.2 and 2 more transcripts); c.487A>T, p.Lys163Ter (NM_001127511.3, NM_001354897.2, NM_001354902.2); c.382A>T, p.Lys128Ter (NM_001354898.2, NM_001354904.2); c.280A>T, p.Lys94Ter (NM_001354900.2, NM_001354901.2, NM_001354905.2); c.-579A>T (NM_001354906.2); short protein forms K163*, K128*, K153*, K94*.
Identifiers: ClinVar variation 1456697 (VCV001456697.9), dbSNP rs1561477861, ClinGen allele CA16022319.